The following is an entry in ClinVar:

NM_024301.5(FKRP):c.745G>A (p.Ala249Thr)

Gene: FKRP (fukutin related protein; plus strand). Cytogenetic location: 19q13.32.
Variant type: single nucleotide variant.
Coding change: c.745G>A on transcript NM_024301.5 (MANE Select); coding-DNA position 745, G replaced by A.
Protein change: p.Ala249Thr; replaces alanine 249 with threonine.
Molecular consequence: missense variant.
Genome position (GRCh38, 1-based): chr19:46,756,195, G>A. VCF-style: chr19-46756195-G-A. GRCh37 (hg19) VCF-style: chr19-47259452-G-A.
Other names: c.745G>A, p.Ala249Thr (NM_001039885.3); short protein forms A249T.
Identifiers: ClinVar variation 939050 (VCV000939050.10), dbSNP rs757955092, ClinGen allele CA9532196.

ClinVar aggregate classification (germline): Conflicting classifications of pathogenicity. Review status: criteria provided, conflicting classifications (1 of 4 stars). 5 submissions from 5 submitters: Uncertain significance (3); Likely benign (1). 1 of the submissions does not count toward it. Last evaluated 2025-03-25.

Conditions:
Walker-Warburg congenital muscular dystrophy. Also called: Muscular dystrophy-dystroglycanopathy, type A; Walker-Warburg syndrome. Identifiers: Orphanet 899, MedGen C0265221, MONDO:0000171.
Autosomal recessive limb-girdle muscular dystrophy type 2I. Also called: MUSCULAR DYSTROPHY, LIMB-GIRDLE, TYPE 2I; MUSCULAR DYSTROPHY-DYSTROGLYCANOPATHY (LIMB-GIRDLE), TYPE C, 5; MUSCULAR DYSTROPHY-DYSTROGLYCANOPATHY, LIMB-GIRDLE, FRKP-RELATED. Identifiers: Orphanet 34515, MedGen C1846672, MONDO:0011787, OMIM 607155.
Cardiovascular phenotype. Identifiers: MedGen CN230736.

Allele frequency attached by ClinVar (database versions not stated): gnomAD below 0.00001 and 0.00001; gnomAD exomes 0.00005; 1000 Genomes Project 30x 0.00031; ExAC 0.00036.

Submissions (5):

GeneDx
Classification: Uncertain significance. Last evaluated: 2025-03-25. Review status: criteria provided, single submitter. Criteria: GeneDx Variant Classification Process June 2021. Collection method: clinical testing. Allele origin: germline. Affected: yes.
Comment: Missense variants in this gene are a common cause of disease and they are underrepresented in the general population; In silico analysis indicates that this missense variant does not alter protein structure/function; Has not been previously published as pathogenic or benign to our knowledge; This variant is associated with the following publications: (PMID: 30564623)

Labcorp Genetics (formerly Invitae), Labcorp
Classification: Uncertain significance for Walker-Warburg congenital muscular dystrophy. Last evaluated: 2024-01-28. Review status: criteria provided, single submitter. Criteria: Invitae Variant Classification Sherloc (09022015). Collection method: clinical testing. Allele origin: germline.
Comment: This sequence change replaces alanine, which is neutral and non-polar, with threonine, which is neutral and polar, at codon 249 of the FKRP protein (p.Ala249Thr). The frequency data for this variant in the population databases is considered unreliable, as metrics indicate poor data quality at this position in the gnomAD database. This variant has not been reported in the literature in individuals affected with FKRP-related conditions. ClinVar contains an entry for this variant (Variation ID: 939050). Advanced modeling of protein sequence and biophysical properties (such as structural, functional, and spatial information, amino acid conservation, physicochemical variation, residue mobility, and thermodynamic stability) performed at Invitae indicates that this missense variant is not expected to disrupt FKRP protein function with a negative predictive value of 95%. In summary, the available evidence is currently insufficient to determine the role of this variant in disease. Therefore, it has been classified as a Variant of Uncertain Significance.

Ambry Genetics
Classification: Likely benign for Cardiovascular phenotype. Last evaluated: 2023-11-03. Review status: criteria provided, single submitter. Criteria: Ambry Variant Classification Scheme 2023. Collection method: clinical testing. Allele origin: germline.

Revvity Omics, Revvity
Classification: Uncertain significance. Last evaluated: 2019-02-20. Review status: criteria provided, single submitter. Criteria: ACMG Guidelines, 2015. Collection method: clinical testing. Allele origin: germline.

Natera, Inc.
Classification: Uncertain significance for Limb-girdle muscular dystrophy type 2I. Last evaluated: 2020-04-18. Review status: no assertion criteria provided. Collection method: clinical testing. Allele origin: germline. Not counted in ClinVar's aggregate classification.